The following is an entry in ClinVar:

NM_007294.4(BRCA1):c.1917G>T (p.Leu639Phe)

Gene: BRCA1 (BRCA1 DNA repair associated; minus strand). Cytogenetic location: 17q21.31.
Variant type: single nucleotide variant.
Coding change: c.1917G>T on transcript NM_007294.4 (MANE Select); coding-DNA position 1917, G replaced by T.
Protein change: p.Leu639Phe; replaces leucine 639 with phenylalanine.
Molecular consequence: missense variant. On other transcripts: intron variant (137).
Genome position (GRCh38, 1-based): chr17:43,093,614, C>A on the plus strand (G>T on the coding strand, the complement: BRCA1 is on the minus strand). VCF-style: chr17-43093614-C-A. GRCh37 (hg19) VCF-style: chr17-41245631-C-A.
Other names: c.1776G>T, p.Leu592Phe (NM_001407728.1, NM_001407729.1, NM_001407731.1 and 29 more transcripts); c.784+1130G>T (NM_001407984.1, NM_001408397.1, NM_001408401.1 and 13 more transcripts); c.664+1130G>T (NM_001408443.1, NM_001408439.1, NM_001408425.1 and 12 more transcripts); c.787+1130G>T (NM_001407983.1, NM_001407975.1, NM_001407971.1 and 19 more transcripts); c.670+2232G>T (NM_001408419.1, NM_001408423.1, NM_001408420.1 and 2 more transcripts); c.790+1127G>T (NM_001408406.1); c.646+1130G>T (NM_001408456.1, NM_001408458.1, NM_001408469.1 and 11 more transcripts); c.1704G>T, p.Leu568Phe (NM_001407571.1, NM_001407853.1, NM_001407894.1 and 9 more transcripts); and 40 more; short protein forms L639F, L592F, L343F, L528F, L569F, L612F, L636F, L551F.
Identifiers: ClinVar variation 820338 (VCV000820338.7), dbSNP rs786202103, ClinGen allele CA10598190.

ClinVar aggregate classification (germline): Conflicting classifications of pathogenicity. Review status: criteria provided, conflicting classifications (1 of 4 stars). 2 submissions from 2 submitters: Uncertain significance (1); Likely benign (1). Last evaluated 2023-03-23.

Conditions:
Hereditary cancer-predisposing syndrome. Also called: Neoplastic Syndromes, Hereditary; Tumor predisposition; Hereditary Cancer Syndrome; Hereditary neoplastic syndrome. Identifiers: Orphanet 140162, MedGen C0027672, MeSH D009386, MONDO:0015356.

Submissions (2):

University of Washington Department of Laboratory Medicine, University of Washington
Classification: Likely benign for Hereditary cancer-predisposing syndrome. Last evaluated: 2023-03-23. Review status: criteria provided, single submitter. Criteria: Dines et al. (Genet Med. 2020). Collection method: curation. Allele origin: germline.
Comment: Missense variant in a coldspot region where missense variants are very unlikely to be pathogenic (PMID:31911673).

BRCA1 coldspot (exon 11 using historical exon numbering). Reclassification based on statistical prior probability

Ambry Genetics
Classification: Uncertain significance for Hereditary cancer-predisposing syndrome. Last evaluated: 2018-10-12. Review status: criteria provided, single submitter. Criteria: Ambry Variant Classification Scheme 2023. Collection method: clinical testing. Allele origin: germline.
Comment: The p.L639F variant (also known as c.1917G>T), located in coding exon 9 of the BRCA1 gene, results from a G to T substitution at nucleotide position 1917. The leucine at codon 639 is replaced by phenylalanine, an amino acid with highly similar properties. This amino acid position is well conserved in available vertebrate species. In addition, the in silico prediction for this alteration is inconclusive. Since supporting evidence is limited at this time, the clinical significance of this alteration remains unclear.